The following is an entry in ClinVar:

ClinVar aggregate classification (germline): Benign (1 of 4 stars; one submission).

Conditions:
Autosomal dominant nocturnal frontal lobe epilepsy 4. Also called: EPILEPSY, FAMILIAL, WITH NOCTURNAL WANDERING AND ICTAL FEAR; CHRNA2-Related Nocturnal Frontal Lobe Epilepsy, Autosomal Dominant. Identifiers: Orphanet 98784, MedGen C1835905, MONDO:0012474, OMIM 610353.

Allele frequency attached by ClinVar (database versions not stated): 1000 Genomes Project 30x 0.00047; 1000 Genomes Project 0.00060; gnomAD 0.00121; TOPMed 0.00190.

Submission:

Illumina Laboratory Services, Illumina
Classification: Benign for Autosomal dominant nocturnal frontal lobe epilepsy 4. Last evaluated: 2018-01-13. Review status: criteria provided, single submitter. Criteria: ICSL Variant Classification Criteria 13 December 2019. Collection method: clinical testing. Allele origin: germline.
Comment: This variant was observed in the ICSL laboratory as part of a predisposition screen in an ostensibly healthy population. It had not been previously curated by ICSL or reported in the Human Gene Mutation Database (HGMD: prior to June 1st, 2018), and was therefore a candidate for classification through an automated scoring system. Utilizing variant allele frequency, disease prevalence and penetrance estimates, and inheritance mode, an automated score was calculated to assess if this variant is too frequent to cause the disease. Based on the score and internal cut-off values, a variant classified as benign is not then subjected to further curation. The score for this variant resulted in a classification of benign for this disease.

NM_000742.4(CHRNA2):c.*1403C>G

Gene: CHRNA2 (cholinergic receptor nicotinic alpha 2 subunit; minus strand). Cytogenetic location: 8p21.2.
Variant type: single nucleotide variant.
Coding change: c.*1403C>G on transcript NM_000742.4 (MANE Select); 1403 bases downstream of the stop codon, C replaced by G.
Molecular consequence: 3 prime UTR variant.
Genome position (GRCh38, 1-based): chr8:27,460,226, G>C on the plus strand (C>G on the coding strand, the complement: CHRNA2 is on the minus strand). VCF-style: chr8-27460226-G-C. GRCh37 (hg19) VCF-style: chr8-27317743-G-C.
Other names: c.*1403C>G (NM_001282455.2, NM_001347705.2, NM_001347706.2 and 2 more transcripts).
Identifiers: ClinVar variation 362668 (VCV000362668.5), dbSNP rs376282591, ClinGen allele CA10627568.
Genomic context (GRCh38, chr8:27,460,226, plus strand): 5'-AGAACCCGATGCCCACATCTGTTAGCTGCCAATGTCCCACCCTCCAGTCTGGACAGAGTT[G>C]GGGGGAGGTCTGTTGCCCGATCCCAGGAGCAGCAGCTCGGCCTGGGATCCTGGGTGCAGC-3'